The following is an entry in ClinVar:

ClinVar aggregate classification (germline): Conflicting classifications of pathogenicity. Review status: criteria provided, conflicting classifications (1 of 4 stars). 7 submissions from 7 submitters: Likely pathogenic (1); Uncertain significance (4). 2 of the submissions do not count toward it. Last evaluated 2025-11-23.

Conditions:
Muscular dystrophy, limb-girdle, autosomal dominant 4. Also called: Calpain-3-related limb-girdle muscular dystrophy D4; MUSCULAR DYSTROPHY, LIMB-GIRDLE, TYPE 1I. Identifiers: Orphanet 565909, MedGen C4748295, MONDO:0029133, OMIM 618129.
Autosomal recessive limb-girdle muscular dystrophy type 2A (LGMDR1). Also called: Limb-girdle muscular dystrophy, type 2A; Calpainopathy; LEYDEN-MOEBIUS MUSCULAR DYSTROPHY; MUSCULAR DYSTROPHY, PELVOFEMORAL; Muscular dystrophy, limb-girdle, type 2A, Amish. Identifiers: Orphanet 267, MedGen C1869123, MONDO:0009675, OMIM 253600. Disease mechanism: loss of function.

Allele frequency attached by ClinVar (database versions not stated): gnomAD exomes 0.00001 and 0.00003; ExAC 0.00002; TOPMed 0.00004; gnomAD 0.00005 and 0.00006; ESP Exome Variant Server 0.00008.
gnomAD v4.1: 56 of 1,614,104 alleles (0.0035%); highest among the groups gnomAD compares: African/African-American, 0.008%; no homozygotes.

Submissions (7):

Labcorp Genetics (formerly Invitae), Labcorp
Classification: Uncertain significance for Autosomal recessive limb-girdle muscular dystrophy type 2A. Last evaluated: 2025-11-23. Review status: criteria provided, single submitter. Criteria: Invitae Variant Classification Sherloc (09022015). Collection method: clinical testing. Allele origin: germline.
Comment: This sequence change replaces asparagine, which is neutral and polar, with serine, which is neutral and polar, at codon 198 of the CAPN3 protein (p.Asn198Ser). This variant is present in population databases (rs371166254, gnomAD 0.005%). This missense change has been observed in individuals with autosomal recessive limb-girdle muscular dystrophy and/or muscle weakness (PMID: 16650086, 20580976, 37974208). ClinVar contains an entry for this variant (Variation ID: 420001). Invitae Evidence Modeling of protein sequence and biophysical properties (such as structural, functional, and spatial information, amino acid conservation, physicochemical variation, residue mobility, and thermodynamic stability) indicates that this missense variant is not expected to disrupt CAPN3 protein function with a negative predictive value of 80%. Studies have shown that this missense change alters CAPN3 gene expression (PMID: 20580976). Studies have shown that this missense change does not affect mRNA splicing (PMID: 32668095). In summary, the available evidence is currently insufficient to determine the role of this variant in disease. Therefore, it has been classified as a Variant of Uncertain Significance.

Women's Health and Genetics/Laboratory Corporation of America, LabCorp
Classification: Uncertain significance. Last evaluated: 2024-08-07. Review status: criteria provided, single submitter. Criteria: LabCorp Variant Classification Summary - May 2015. Collection method: clinical testing. Allele origin: germline.
Comment: Variant summary: CAPN3 c.593A>G (p.Asn198Ser) results in a conservative amino acid change located in the Peptidase C2, calpain, catalytic domain (IPR001300) of the encoded protein sequence. Three of five in-silico tools predict a damaging effect of the variant on protein function. The variant allele was found at a frequency of 1.2e-05 in 251468 control chromosomes. The available data on variant occurrences in the general population are insufficient to allow any conclusion about variant significance. c.593A>G has been reported in the literature in a compound heterozygous individual affected with Limb-Girdle Muscular Dystrophy, Autosomal Recessive (Krahn_2006) and in a heterozygous individual with clinical features of Limb-Girdle Muscular Dystrophy who also carries a missense variant in the COL6A3 gene with unknown significance (Lin_2023). These data do not allow any conclusion about variant significance. To our knowledge, no experimental evidence demonstrating an impact on protein function has been reported. The following publications have been ascertained in the context of this evaluation (PMID: 16650086, 37974208). ClinVar contains an entry for this variant (Variation ID: 420001). Based on the evidence outlined above, the variant was classified as uncertain significance.

Baylor Genetics
Classification: Likely pathogenic for Muscular dystrophy, limb-girdle, autosomal dominant 4. Last evaluated: 2024-03-28. Review status: criteria provided, single submitter. Criteria: ACMG Guidelines, 2015. Collection method: clinical testing. Allele origin: unknown.

Revvity Omics, Revvity
Classification: Uncertain significance. Last evaluated: 2021-11-29. Review status: criteria provided, single submitter. Criteria: ACMG Guidelines, 2015. Collection method: clinical testing. Allele origin: germline.

GeneDx
Classification: Uncertain significance. Last evaluated: 2016-06-23. Review status: criteria provided, single submitter. Criteria: GeneDx Variant Classification (06012015). Collection method: clinical testing. Allele origin: germline. Affected: yes.
Comment: A variant of uncertain significance has been identified in the CAPN3 gene. The c.593 A>G variant has been reported previously in two individuals with a clinical diagnosis of limb-girdle muscular dystrophy who had decreased CAPN3 protein on Western blot; both of these individuals had a second CAPN3 variant identified (Krahn et al., 2006; Burke et al., 2010). The c.593 A>G variant was not observed with any significant frequency in approximately 6,500 individuals of European and African American ancestry in the NHLBI Exome Sequencing Project. Several in-silico splice prediction models predict that c.593 A>G creates a cryptic donor site which may supplant the natural donor site and lead to abnormal gene splicing. However, in the absence of RNA/functional studies, the actual effect of this sequence change in this individual is unknown. If c.593 A>G does not affect splicing, it will result in the N198S missense change. The N198S variant is a conservative amino acid substitution, which is not likely to impact secondary protein structure as these residues share similar properties. However, this substitution occurs at a position that is conserved across species, and missense variants in nearby residues (S194C, R197H, R197L, E199Q) have been reported in the Human Gene Mutation Database in association with limb-girdle muscular dystrophy (Stenson et al., 2014), supporting the functional importance of this region of the protein. In silico analysis is inconsistent in its predictions as to whether or not the variant is damaging to the protein structure/function. Therefore, based on the currently available information, it is unclear whether this variant is a pathogenic variant or a rare benign variant.

Natera, Inc.
Classification: Uncertain significance for Limb-girdle muscular dystrophy type 2A. Last evaluated: 2020-09-16. Review status: no assertion criteria provided. Collection method: clinical testing. Allele origin: germline. Not counted in ClinVar's aggregate classification.

Counsyl
Classification: Uncertain significance for Autosomal recessive limb-girdle muscular dystrophy type 2A. Last evaluated: 2018-05-24. Review status: no assertion criteria provided. Collection method: clinical testing. Allele origin: unknown. Not counted in ClinVar's aggregate classification.

Literature cited by the submitters: PubMed 16650086 (cited by 3 submitters); PubMed 20580976 (cited by Labcorp Genetics (formerly Invitae), Labcorp and Counsyl); PubMed 37974208 (cited by Labcorp Genetics (formerly Invitae), Labcorp and Women's Health and Genetics/Laboratory Corporation of America, LabCorp); PubMed 32668095 (cited by Labcorp Genetics (formerly Invitae), Labcorp and Women's Health and Genetics/Laboratory Corporation of America, LabCorp); PubMed 19556129 (cited by Counsyl).

NM_000070.3(CAPN3):c.593A>G (p.Asn198Ser)

Gene: CAPN3 (calpain 3; plus strand). Cytogenetic location: 15q15.1.
Variant type: single nucleotide variant.
Coding change: c.593A>G on transcript NM_000070.3 (MANE Select); coding-DNA position 593, A replaced by G.
Protein change: p.Asn198Ser; replaces asparagine 198 with serine.
Molecular consequence: missense variant.
Genome position (GRCh38, 1-based): chr15:42,387,847, A>G. VCF-style: chr15-42387847-A-G. GRCh37 (hg19) VCF-style: chr15-42680045-A-G.
Other names: c.593A>G, p.Asn198Ser (NM_024344.2, NM_173087.2); short protein forms N198S.
Identifiers: ClinVar variation 420001 (VCV000420001.14), dbSNP rs371166254, ClinGen allele CA7511066.
Genomic context (GRCh38, chr15:42,387,847, plus strand): 5'-TAGATGACTGCCTGCCAACGTACAACAATCAACTGGTTTTCACCAAGTCCAACCACCGCA[A>G]TGAGTTCTGGAGTGCTCTGCTGGAGAAGGCTTATGCTAAGTAAGCAACACTTTAGAATGT-3'
Protein context (NP_000061.1, residues 188-208): QLVFTKSNHR[Asn198Ser]EFWSALLEKA